The following is an entry in ClinVar:

NM_003835.4(RGS9):c.1490CCT[2] (p.Ser499del)

Gene: RGS9 (regulator of G protein signaling 9; plus strand). Cytogenetic location: 17q24.1.
Variant type: Microsatellite.
Coding change: c.1490CCT[2] on transcript NM_003835.4 (MANE Select); two copies in a row of the 3-base unit CCT starting at c.1490; the reference has three copies in a row; one copy, 3 bases deleted.
Protein change: p.Ser499del; deletes serine 499.
Molecular consequence: inframe deletion.
Genome position (GRCh38, 1-based): chr17:65,225,090-65,225,092, CCT deleted; deleting any 3 consecutive bases within chr17:65,225,082-65,225,092 gives the same sequence; the position shown is the placement nearest the transcript's 3' end. VCF-style (leftmost placement, unchanged base first): chr17-65225081-TCTC-T. GRCh37 (hg19) VCF-style: chr17-63221199-TCTC-T.
Other names: c.1481CCT[2], p.Ser496del (NM_001081955.3); short protein forms S496del, S499del.
Identifiers: ClinVar variation 1056595 (VCV001056595.5), dbSNP rs1328476541, ClinGen allele CA627152007.
Genomic context (GRCh38, chr17:65,225,081, plus strand): 5'-CCAGCCCCCATCTGACCGTGTACACCGGGACCTGCATGCCCCCGTCTCCTTCTAGCCCCT[TCTC>T]CTCCTCCTGCCGCTCCCCCAGGAAGCCTTTCGCCTCACCCAGCCGCTTCATCCGGCGACC-3'

ClinVar aggregate classification (germline): Uncertain significance. Review status: criteria provided, multiple submitters, no conflicts (2 of 4 stars). 2 submissions from 2 submitters: Uncertain significance (2). Last evaluated 2024-03-11.

Submissions (2):

Blueprint Genetics
Classification: Uncertain significance. Last evaluated: 2024-03-11. Review status: criteria provided, single submitter. Criteria: ACMG Guidelines, 2015. Collection method: clinical testing. Allele origin: germline.

Labcorp Genetics (formerly Invitae), Labcorp
Classification: Uncertain significance. Last evaluated: 2022-07-21. Review status: criteria provided, single submitter. Criteria: Invitae Variant Classification Sherloc (09022015). Collection method: clinical testing. Allele origin: germline.
Comment: This variant, c.1496_1498del, results in the deletion of 1 amino acid(s) of the RGS9 protein (p.Ser499del), but otherwise preserves the integrity of the reading frame. This variant is present in population databases (no rsID available, gnomAD 0.0009%). This variant has not been reported in the literature in individuals affected with RGS9-related conditions. Experimental studies and prediction algorithms are not available or were not evaluated, and the functional significance of this variant is currently unknown. In summary, the available evidence is currently insufficient to determine the role of this variant in disease. Therefore, it has been classified as a Variant of Uncertain Significance.